The following is an entry in ClinVar:

ClinVar aggregate classification (germline): not provided. Review status: no classification provided (0 of 4 stars). 2 submissions from 1 submitter: not provided (2).

Conditions:
Gestational diabetes mellitus uncontrolled. Identifiers: MedGen C3532257.
Large for gestational age. Identifiers: MedGen C1848395, HP:0001520.

Submissions (2):

Institute of Molecular and Cell Biology, University of Tartu
No classification provided. Condition: Large for gestational age. Review status: no classification provided. Collection method: case-control. Allele origin: unknown. Affected: yes. Study: Kasak2014.
Comment: The study aimed to determine the contribution of copy number variants in the genetic etiology of normal and complicated pregnancies. The samples represented (i) maternal blood DNA drawn from healthy pregnant women during 1st or 2nd trimester and (ii) maternal and paternal blood DNA drawn at term pregnancy cases representing normal and complicated gestations (severe preeclampsia, PE; gestational diabetes, GD; small-for-gestational age newborn, SGA; large-for-gestational age newborn, LGA). We performed CNV calling based on genome-wide genotyping dataset (Illumina HumanOmniExpress-24-v1 BeadChip) by applying three algorithms, QuantiSNP, GADA (Genome Alteration Detection Algorithm) and CNstream in parallel. The acquired CNV calls were merged with HD-CNV (Hotspot Detector for Copy Number Variants) program and only the CNVs predicted by at least two programs, were considered in subsequent analysis.

Institute of Molecular and Cell Biology, University of Tartu
No classification provided. Condition: Gestational diabetes mellitus uncontrolled. Review status: no classification provided. Collection method: case-control. Allele origin: unknown. Affected: yes. Study: Kasak2014.
Comment: the same text as in the submission from Institute of Molecular and Cell Biology, University of Tartu above.

Literature cited by the submitters: PubMed 25666259.

NC_000012.12:g.31106438_31256844dup

Genes: LOC129390426 (MPRA-validated peak1651 silencer; plus strand), LOC132090103 (Neanderthal introgressed variant-containing enhancer experimental_28233; plus strand). Cytogenetic location: 12p11.21.
Variant type: Duplication.
Identifiers: ClinVar variation 157247 (VCV000157247.3).